The following is an entry in ClinVar:

ClinVar aggregate classification (germline): Uncertain significance (1 of 4 stars; one submission).

Conditions:
Progressive myoclonic epilepsy type 5. Identifiers: Orphanet 402082, MedGen C5190799.

gnomAD v4.1: 3 of 1,613,656 alleles (0.00019%); highest among the groups gnomAD compares: African/African-American, 0.004%; no homozygotes.

Submission:

Labcorp Genetics (formerly Invitae), Labcorp
Classification: Uncertain significance for Progressive myoclonic epilepsy type 5. Last evaluated: 2025-03-19. Review status: criteria provided, single submitter. Criteria: Invitae Variant Classification Sherloc (09022015). Collection method: clinical testing. Allele origin: germline.
Comment: This sequence change replaces methionine, which is neutral and non-polar, with valine, which is neutral and non-polar, at codon 269 of the PRICKLE2 protein (p.Met269Val). This variant is present in population databases (rs757760773, gnomAD 0.008%). This variant has not been reported in the literature in individuals affected with PRICKLE2-related conditions. Invitae Evidence Modeling of protein sequence and biophysical properties (such as structural, functional, and spatial information, amino acid conservation, physicochemical variation, residue mobility, and thermodynamic stability) indicates that this missense variant is expected to disrupt PRICKLE2 protein function with a positive predictive value of 80%. In summary, the available evidence is currently insufficient to determine the role of this variant in disease. Therefore, it has been classified as a Variant of Uncertain Significance.

NM_198859.4(PRICKLE2):c.805A>G (p.Met269Val)

Gene: PRICKLE2 (prickle planar cell polarity protein 2; minus strand). Cytogenetic location: 3p14.1.
Variant type: single nucleotide variant.
Coding change: c.805A>G on transcript NM_198859.4 (MANE Select); coding-DNA position 805, A replaced by G.
Protein change: p.Met269Val; replaces methionine 269 with valine.
Molecular consequence: missense variant.
Genome position (GRCh38, 1-based): chr3:64,147,685, T>C on the plus strand (A>G on the coding strand, the complement: PRICKLE2 is on the minus strand). VCF-style: chr3-64147685-T-C. GRCh37 (hg19) VCF-style: chr3-64133361-T-C.
Other names: c.805A>G, p.Met269Val (NM_001370528.1); short protein forms M269V.
Identifiers: ClinVar variation 4753375 (VCV004753375.1).
Genomic context (GRCh38, chr3:64,147,685, plus strand): 5'-TGCAGTGAGCACAGCAGAAACAGGTCTCAGTGGCATGCCAGTGTTGGCCATCATAGGTCA[T>C]TTGACCTTGGTCGATACCTAAAAAAATGAGAGACATTGGAGAGGCTGATGAGCTGCTCAG-3'
Protein context (NP_942559.1, residues 259-279): AQHIGIDQGQ[Met269Val]TYDGQHWHAT